The following is an entry in ClinVar:

NM_001379500.1(COL18A1):c.838dup (p.Val280fs)

Gene: COL18A1 (collagen type XVIII alpha 1 chain; plus strand). Cytogenetic location: 21q22.3.
Variant type: Duplication.
Coding change: c.838dup on transcript NM_001379500.1 (MANE Select); coding-DNA position 838, one base duplicated (G; older notation c.838dupG).
Protein change: p.Val280fs; shifts the reading frame from valine 280.
Molecular consequence: frameshift variant.
Genome position (GRCh38, 1-based): chr21:45,476,390, G duplicated. VCF-style (leftmost placement, unchanged base first): chr21-45476389-C-CG. GRCh37 (hg19) VCF-style: chr21-46896303-C-CG.
Other names: c.1378dup, p.Val460fs (NM_030582.4); c.2083dup, p.Val695fs (NM_130444.3); short protein forms V280fs, V460fs, V695fs.
Identifiers: ClinVar variation 3714236 (VCV003714236.2).

ClinVar aggregate classification (germline): Pathogenic (1 of 4 stars; one submission).

Submission:

Labcorp Genetics (formerly Invitae), Labcorp
Classification: Pathogenic. Last evaluated: 2024-06-17. Review status: criteria provided, single submitter. Criteria: Invitae Variant Classification Sherloc (09022015). Collection method: clinical testing. Allele origin: germline.
Comment: This sequence change creates a premature translational stop signal (p.Val280Glyfs*18) in the COL18A1 gene. It is expected to result in an absent or disrupted protein product. Loss-of-function variants in COL18A1 are known to be pathogenic (PMID: 12415512, 25456301). This variant is not present in population databases (gnomAD no frequency). This premature translational stop signal has been observed in individual(s) with clinical features of COL18A1-related conditions (PMID: 35692029). For these reasons, this variant has been classified as Pathogenic.

Literature cited by the submitters: PubMed 12415512; PubMed 25456301; PubMed 35692029.